The following is an entry in ClinVar:

ClinVar aggregate classification (germline): Pathogenic (1 of 4 stars; one submission).

Conditions:
Alagille syndrome due to a JAG1 point mutation. Also called: HEPATIC DUCTULAR HYPOPLASIA, SYNDROMATIC; JAG1-Related Alagille Syndrome; Alagille Syndrome 1. Identifiers: Orphanet 261619, Orphanet 52, MedGen C1956125, MONDO:0016862, OMIM 118450.

Submission:

Labcorp Genetics (formerly Invitae), Labcorp
Classification: Pathogenic for Alagille syndrome due to a JAG1 point mutation. Last evaluated: 2018-02-21. Review status: criteria provided, single submitter. Criteria: Invitae Variant Classification Sherloc (09022015). Collection method: clinical testing. Allele origin: germline.
Comment: For these reasons, this variant has been classified as Pathogenic. Loss-of-function variants in JAG1 are known to be pathogenic (PMID: 11180599). This variant has not been reported in the literature in individuals with JAG1-related disease. This variant is not present in population databases (ExAC no frequency). This sequence change creates a premature translational stop signal (p.Thr311Ilefs*101) in the JAG1 gene. It is expected to result in an absent or disrupted protein product.

Literature cited by the submitters: PubMed 11180599.

NM_000214.3(JAG1):c.932del (p.Thr311fs)

Gene: JAG1 (jagged canonical Notch ligand 1; minus strand). Cytogenetic location: 20p12.2.
Variant type: Deletion.
Coding change: c.932del on transcript NM_000214.3 (MANE Select); coding-DNA position 932, one base deleted (C; older notation c.932delC).
Protein change: p.Thr311fs; shifts the reading frame from threonine 311.
Molecular consequence: frameshift variant.
Genome position (GRCh38, 1-based): chr20:10,652,205, G deleted on the plus strand (C on the coding strand, the reverse complement: JAG1 is on the minus strand). VCF-style (leftmost placement, unchanged base first): chr20-10652204-AG-A. GRCh37 (hg19) VCF-style: chr20-10632852-AG-A.
Other names: c.932del, p.Thr311fs (LRG_1191t1); short protein forms T311fs.
Identifiers: ClinVar variation 536526 (VCV000536526.6), dbSNP rs1555829037, ClinGen allele CA658799339.